The following is an entry in ClinVar:

ClinVar aggregate classification (germline): Uncertain significance. Review status: criteria provided, multiple submitters, no conflicts (2 of 4 stars). 2 submissions from 2 submitters: Uncertain significance (2). Last evaluated 2026-09-04.

Conditions:
Autosomal recessive limb-girdle muscular dystrophy type 2A (LGMDR1). Also called: LEYDEN-MOEBIUS MUSCULAR DYSTROPHY; MUSCULAR DYSTROPHY, PELVOFEMORAL; Limb-girdle muscular dystrophy, type 2A; Calpainopathy; Muscular dystrophy, limb-girdle, type 2A, Amish. Identifiers: Orphanet 267, MedGen C1869123, MONDO:0009675, OMIM 253600. Disease mechanism: loss of function.
Inborn genetic diseases. Identifiers: MedGen C0950123, MeSH D030342.

Submissions (2):

Ambry Genetics
Classification: Uncertain significance for Inborn genetic diseases. Last evaluated: 2026-09-04. Review status: criteria provided, single submitter. Criteria: Ambry Variant Classification Scheme 2023. Collection method: clinical testing. Allele origin: germline.
Comment: The c.2430delC (p.N810Kfs*73) alteration, located in exon 23 (coding exon 23) of the CAPN3 gene, consists of a deletion of one nucleotide at position 2430, causing a translational frameshift with a predicted alternate stop codon after 73 amino acids. This variant occurs at the 3' terminus of the CAPN3 gene, is not expected to trigger nonsense-mediated mRNA decay and results in the elongation of the protein by 60 amino acids. This frameshift impacts the last 12 amino acids of the native protein. The exact functional effect of the altered amino acids is unknown. This variant was not reported in population-based cohorts in the Genome Aggregation Database (gnomAD). Based on insufficient or conflicting evidence, the clinical significance of this alteration remains unclear.

Labcorp Genetics (formerly Invitae), Labcorp
Classification: Uncertain significance for Autosomal recessive limb-girdle muscular dystrophy type 2A. Last evaluated: 2024-01-04. Review status: criteria provided, single submitter. Criteria: Invitae Variant Classification Sherloc (09022015). Collection method: clinical testing. Allele origin: germline.
Comment: This sequence change results in a frameshift in the CAPN3 gene (p.Asn810Lysfs*73). While this is not anticipated to result in nonsense mediated decay, it is expected to disrupt the last 12 amino acid(s) of the CAPN3 protein and extend the protein by 60 additional amino acid residues. This variant is not present in population databases (gnomAD no frequency). This variant has not been reported in the literature in individuals affected with CAPN3-related conditions. In summary, the available evidence is currently insufficient to determine the role of this variant in disease. Therefore, it has been classified as a Variant of Uncertain Significance.

NM_000070.3(CAPN3):c.2430del (p.Asn810fs)

Gene: CAPN3 (calpain 3; plus strand). Cytogenetic location: 15q15.1.
Variant type: Deletion.
Coding change: c.2430del on transcript NM_000070.3 (MANE Select); coding-DNA position 2430, one base deleted (C; older notation c.2430delC).
Protein change: p.Asn810fs; shifts the reading frame from asparagine 810.
Molecular consequence: frameshift variant.
Genome position (GRCh38, 1-based): chr15:42,411,336, C deleted. VCF-style (leftmost placement, unchanged base first): chr15-42411335-AC-A. GRCh37 (hg19) VCF-style: chr15-42703533-AC-A.
Other names: c.2430delC (NM_000070.2); c.2154del, p.Asn718fs (NM_173087.2); c.894del, p.Asn298fs (NM_173088.2); c.435del, p.Asn145fs (NM_173089.2, NM_173090.2); c.*1528delC (NM_212464.2); c.*2105delC (NM_212467.2); c.2412del, p.Asn804fs (NM_024344.2); short protein forms N298fs, N145fs, N718fs, N810fs, N804fs.
Identifiers: ClinVar variation 2707450 (VCV002707450.4), dbSNP rs2548295698, ClinGen allele CA2697554373.